The following is an entry in ClinVar:

ClinVar aggregate classification (germline): Likely benign (0 of 4 stars; one submission).

Conditions:
ZNF407-related disorder. Also called: ZNF407-related condition.

Allele frequency attached by ClinVar (database versions not stated): TOPMed 0.00008; gnomAD 0.00009.
gnomAD v4.1: 36 of 1,567,388 alleles (0.0023%); highest among the groups gnomAD compares: African/African-American, 0.032%; no homozygotes.

Submission:

PreventionGenetics, part of Exact Sciences
Classification: Likely benign for ZNF407-related condition. Last evaluated: 2019-05-13. Review status: no assertion criteria provided. Collection method: clinical testing. Allele origin: germline.
Comment: This variant is classified as likely benign based on ACMG/AMP sequence variant interpretation guidelines (Richards et al. 2015 PMID: 25741868, with internal and published modifications).

NM_017757.3(ZNF407):c.5128+3C>T

Gene: ZNF407 (zinc finger protein 407; plus strand). Cytogenetic location: 18q22.3.
Variant type: single nucleotide variant.
Coding change: c.5128+3C>T on transcript NM_017757.3 (MANE Select); 3 bases into the intron after coding-DNA position 5128, C replaced by T.
Molecular consequence: intron variant.
Genome position (GRCh38, 1-based): chr18:74,881,122, C>T. VCF-style: chr18-74881122-C-T. GRCh37 (hg19) VCF-style: chr18-72593078-C-T.
Other names: c.5128+3C>T (NM_001384475.1, NM_001146189.1).
Identifiers: ClinVar variation 3041434 (VCV003041434.2), dbSNP rs756630489, ClinGen allele CA9001043.